The following is an entry in ClinVar:

NM_001308210.2(TSHZ1):c.615C>T (p.Ala205=)

Gene: TSHZ1 (teashirt zinc finger homeobox 1; plus strand). Cytogenetic location: 18q22.3.
Variant type: single nucleotide variant.
Coding change: c.615C>T on transcript NM_001308210.2 (MANE Select); coding-DNA position 615, C replaced by T.
Protein change: p.Ala205=; no amino-acid change (alanine 205 retained).
Molecular consequence: synonymous variant.
Genome position (GRCh38, 1-based): chr18:75,286,022, C>T. VCF-style: chr18-75286022-C-T. GRCh37 (hg19) VCF-style: chr18-72997977-C-T.
Other names: c.480C>T, p.Ala160= (NM_005786.6).
Identifiers: ClinVar variation 3043957 (VCV003043957.3), dbSNP rs141479960, ClinGen allele CA9001860.

ClinVar aggregate classification (germline): Likely benign. Review status: criteria provided, single submitter (1 of 4 stars). 2 submissions from 2 submitters: Likely benign (1). 1 of the submissions does not count toward it. Last evaluated 2024-10-09.

Conditions:
TSHZ1-related disorder. Also called: TSHZ1-related condition.

Allele frequency attached by ClinVar (database versions not stated): gnomAD exomes 0.00021; ExAC 0.00086; 1000 Genomes Project 0.00120; 1000 Genomes Project 30x 0.00141; ESP Exome Variant Server 0.00215; gnomAD 0.00225; TOPMed 0.00270.

Submissions (2):

Blueprint Genetics
Classification: Likely benign. Last evaluated: 2024-10-09. Review status: criteria provided, single submitter. Criteria: ACMG Guidelines, 2015. Collection method: clinical testing. Allele origin: germline.

PreventionGenetics, part of Exact Sciences
Classification: Benign for TSHZ1-related condition. Last evaluated: 2019-06-05. Review status: no assertion criteria provided. Collection method: clinical testing. Allele origin: germline. Not counted in ClinVar's aggregate classification.
Comment: This variant is classified as benign based on ACMG/AMP sequence variant interpretation guidelines (Richards et al. 2015 PMID: 25741868, with internal and published modifications).